The following is an entry in ClinVar:

NM_007294.4(BRCA1):c.1093A>T (p.Arg365Ter)

Gene: BRCA1 (BRCA1 DNA repair associated; minus strand). Cytogenetic location: 17q21.31.
Variant type: single nucleotide variant.
Coding change: c.1093A>T on transcript NM_007294.4 (MANE Select); coding-DNA position 1093, A replaced by T.
Protein change: p.Arg365Ter; replaces arginine 365 with a stop codon.
Molecular consequence: nonsense. On other transcripts: intron variant (137).
Genome position (GRCh38, 1-based): chr17:43,094,438, T>A on the plus strand (A>T on the coding strand, the complement: BRCA1 is on the minus strand). VCF-style: chr17-43094438-T-A. GRCh37 (hg19) VCF-style: chr17-41246455-T-A.
Other names: 1212A>T; c.1090A>T, p.Arg364Ter (NM_001407861.1, NM_001407587.1, NM_001407590.1 and 22 more transcripts); c.892A>T, p.Arg298Ter (NM_001407862.1); c.970A>T, p.Arg324Ter (NM_001407863.1, NM_001407648.1, NM_001407668.1 and 19 more transcripts); c.889A>T, p.Arg297Ter (NM_001407874.1, NM_001407875.1); c.883A>T, p.Arg295Ter (NM_001407879.1, NM_001407881.1, NM_001407900.1 and 13 more transcripts); c.880A>T, p.Arg294Ter (NM_001407898.1, NM_001407899.1, NM_001407571.1 and 9 more transcripts); c.829A>T, p.Arg277Ter (NM_001407924.1, NM_001407925.1, NM_001407926.1 and 9 more transcripts); and 41 more; short protein forms R365*, R318*, R237*, R238*, R277*, R317*, R362*, R197*.
Identifiers: ClinVar variation 91540 (VCV000091540.5), dbSNP rs398122627, ClinGen allele CA000732.

ClinVar aggregate classification (germline): Pathogenic. Review status: reviewed by expert panel (3 of 4 stars). 4 submissions from 4 submitters: Pathogenic (1). 3 of the submissions do not count toward it. Last evaluated 2016-09-08.

Conditions:
Breast-ovarian cancer, familial, susceptibility to, 1 (BROVCA1). Also called: BRCA1 Hereditary Breast and Ovarian Cancer; OVARIAN CANCER, SUSCEPTIBILITY TO. Identifiers: Orphanet 145, MedGen C2676676, MONDO:0011450, OMIM 604370. Disease mechanism: loss of function.
Hereditary cancer-predisposing syndrome. Also called: Hereditary Cancer Syndrome; Hereditary neoplastic syndrome; Neoplastic Syndromes, Hereditary; Tumor predisposition. Identifiers: Orphanet 140162, MedGen C0027672, MeSH D009386, MONDO:0015356.
Hereditary breast ovarian cancer syndrome. Also called: BRCA1- and BRCA2-Associated Hereditary Breast and Ovarian Cancer; Hereditary breast and ovarian cancer syndrome; Hereditary breast and ovarian cancer syndrome (HBOC); Breast and ovarian cancer; Hereditary breast and/or ovarian cancer syndrome; Hereditary breast and ovarian cancer. Identifiers: Orphanet 145, MedGen C0677776, MeSH D061325, MONDO:0003582. Disease mechanism: loss of function.

Submissions (4):

Evidence-based Network for the Interpretation of Germline Mutant Alleles (ENIGMA)
Classification: Pathogenic for Breast-ovarian cancer, familial, susceptibility to, 1. Last evaluated: 2016-09-08. Review status: reviewed by expert panel. Criteria: ENIGMA BRCA1/2 Classification Criteria (2015). Collection method: curation. Allele origin: germline.
Comment: Variant allele predicted to encode a truncated non-functional protein.

Ambry Genetics
Classification: Pathogenic for Hereditary cancer-predisposing syndrome. Last evaluated: 2021-06-23. Review status: criteria provided, single submitter. Criteria: Ambry Variant Classification Scheme 2023. Collection method: clinical testing. Allele origin: germline. Not counted in ClinVar's aggregate classification.
Comment: The p.R365* pathogenic mutation (also known as c.1093A>T), located in coding exon 9 of the BRCA1 gene, results from an A to T substitution at nucleotide position 1093. This changes the amino acid from an arginine to a stop codon within coding exon 9. This alteration is expected to result in loss of function by premature protein truncation or nonsense-mediated mRNA decay. As such, this alteration is interpreted as a disease-causing mutation.

Research Molecular Genetics Laboratory, Women's College Hospital, University of Toronto
Classification: Pathogenic for Hereditary breast ovarian cancer syndrome. Last evaluated: 2014-01-31. Review status: no assertion criteria provided. Collection method: research. Allele origin: germline. Affected: yes. Study: The Canadian Open Genetics Repository (COGR). Not counted in ClinVar's aggregate classification.

Sharing Clinical Reports Project (SCRP)
Classification: Pathogenic for Breast-ovarian cancer, familial 1. Last evaluated: 2008-09-05. Review status: no assertion criteria provided. Collection method: clinical testing. Allele origin: germline. Not counted in ClinVar's aggregate classification.